The following is an entry in ClinVar:

NM_000130.5(F5):c.5086G>T (p.Glu1696Ter)

Gene: F5 (coagulation factor V; minus strand). Cytogenetic location: 1q24.2.
Variant type: single nucleotide variant.
Coding change: c.5086G>T on transcript NM_000130.5 (MANE Select); coding-DNA position 5086, G replaced by T.
Protein change: p.Glu1696Ter; replaces glutamic acid 1696 with a stop codon.
Molecular consequence: nonsense.
Genome position (GRCh38, 1-based): chr1:169,530,908, C>A on the plus strand (G>T on the coding strand, the complement: F5 is on the minus strand). VCF-style: chr1-169530908-C-A. GRCh37 (hg19) VCF-style: chr1-169500146-C-A.
Other names: short protein forms E1696*.
Identifiers: ClinVar variation 3687450 (VCV003687450.2).

ClinVar aggregate classification (germline): Pathogenic (1 of 4 stars; one submission).

Conditions:
Congenital factor V deficiency. Also called: Hereditary factor V deficiency disease; LABILE FACTOR DEFICIENCY; OWREN PARAHEMOPHILIA; PARAHEMOPHILIA. Identifiers: Orphanet 326, MedGen C0015499, MONDO:0009210, OMIM 227400.

Submission:

Labcorp Genetics (formerly Invitae), Labcorp
Classification: Pathogenic for Congenital factor V deficiency. Last evaluated: 2025-06-14. Review status: criteria provided, single submitter. Criteria: Invitae Variant Classification Sherloc (09022015). Collection method: clinical testing. Allele origin: germline.
Comment: This sequence change creates a premature translational stop signal (p.Glu1696*) in the F5 gene. It is expected to result in an absent or disrupted protein product. Loss-of-function variants in F5 are known to be pathogenic (PMID: 30924984). This variant is not present in population databases (gnomAD no frequency). This variant has not been reported in the literature in individuals affected with F5-related conditions. ClinVar contains an entry for this variant (Variation ID: 3687450). Algorithms developed to predict the effect of sequence changes on RNA splicing suggest that this variant may disrupt the consensus splice site. For these reasons, this variant has been classified as Pathogenic.

Literature cited by the submitters: PubMed 30924984.